The following is an entry in ClinVar:

NM_001197104.2(KMT2A):c.5555T>C (p.Leu1852Ser)

Gene: KMT2A (lysine methyltransferase 2A; plus strand). Cytogenetic location: 11q23.3.
Variant type: single nucleotide variant.
Coding change: c.5555T>C on transcript NM_001197104.2 (MANE Select); coding-DNA position 5555, T replaced by C.
Protein change: p.Leu1852Ser; replaces leucine 1852 with serine.
Molecular consequence: missense variant.
Genome position (GRCh38, 1-based): chr11:118,495,891, T>C. VCF-style: chr11-118495891-T-C. GRCh37 (hg19) VCF-style: chr11-118366606-T-C.
Other names: c.5645T>C, p.Leu1882Ser (NM_001412597.1); c.5546T>C, p.Leu1849Ser (NM_005933.4); short protein forms L1849S, L1852S, L1882S.
Identifiers: ClinVar variation 4681951 (VCV004681951.5).

ClinVar aggregate classification (germline): Uncertain significance (1 of 4 stars; one submission).

Submission:

CeGaT Center for Human Genetics Tuebingen
Classification: Uncertain significance. Last evaluated: 2025-12-01. Review status: criteria provided, single submitter. Criteria: CeGaT Center For Human Genetics Tuebingen Variant Classification Criteria Version 2. Collection method: clinical testing. Allele origin: germline. Affected: yes. Observed: 1 variant allele.
Comment: KMT2A: PM2, PP2, BP4